The following is an entry in ClinVar:

NM_031448.6(C19orf12):c.286A>G (p.Ile96Val)

Gene: C19orf12 (chromosome 19 open reading frame 12; minus strand). Cytogenetic location: 19q12.
Variant type: single nucleotide variant.
Coding change: c.286A>G on transcript NM_031448.6 (MANE Select); coding-DNA position 286, A replaced by G.
Protein change: p.Ile96Val; replaces isoleucine 96 with valine.
Molecular consequence: missense variant.
Genome position (GRCh38, 1-based): chr19:29,702,852, T>C on the plus strand (A>G on the coding strand, the complement: C19orf12 is on the minus strand). VCF-style: chr19-29702852-T-C. GRCh37 (hg19) VCF-style: chr19-30193759-T-C.
Other names: c.286A>G, p.Ile96Val (NM_001031726.4, NM_001256046.3, NM_001256047.2); c.94A>G, p.Ile32Val (NM_001282929.1, NM_001282930.3, NM_001282931.3); short protein forms I32V, I96V.
Identifiers: ClinVar variation 2987861 (VCV002987861.3), dbSNP rs1441417074, ClinGen allele CA405142923.

ClinVar aggregate classification (germline): Uncertain significance (1 of 4 stars; one submission).

Conditions:
Hereditary spastic paraplegia 43. Also called: Spastic paraplegia 43, autosomal recessive. Identifiers: Orphanet 320370, MedGen C2680446, MONDO:0014024, OMIM 615043.

Submission:

Labcorp Genetics (formerly Invitae), Labcorp
Classification: Uncertain significance for Hereditary spastic paraplegia 43. Last evaluated: 2024-11-18. Review status: criteria provided, single submitter. Criteria: Invitae Variant Classification Sherloc (09022015). Collection method: clinical testing. Allele origin: germline.
Comment: This sequence change replaces isoleucine, which is neutral and non-polar, with valine, which is neutral and non-polar, at codon 107 of the C19orf12 protein (p.Ile107Val). This variant is not present in population databases (gnomAD no frequency). This variant has not been reported in the literature in individuals affected with C19orf12-related conditions. ClinVar contains an entry for this variant (Variation ID: 2987861). An algorithm developed to predict the effect of missense changes on protein structure and function outputs the following: PolyPhen-2: "Benign". The valine amino acid residue is found in multiple mammalian species, which suggests that this missense change does not adversely affect protein function. In summary, the available evidence is currently insufficient to determine the role of this variant in disease. Therefore, it has been classified as a Variant of Uncertain Significance.